The following is an entry in ClinVar:

ClinVar aggregate classification (germline): Uncertain significance. Review status: criteria provided, multiple submitters, no conflicts (2 of 4 stars). 4 submissions from 4 submitters: Uncertain significance (4). Last evaluated 2025-09-04.

Allele frequency attached by ClinVar (database versions not stated): TOPMed 0.00003; ExAC 0.00001; gnomAD 0.00001.
gnomAD v4.1: 22 of 1,609,838 alleles (0.0014%); highest among the groups gnomAD compares: South Asian, 0.0022%; no homozygotes.

Submissions (4):

Women's Health and Genetics/Laboratory Corporation of America, LabCorp
Classification: Uncertain significance. Last evaluated: 2025-09-04. Review status: criteria provided, single submitter. Criteria: LabCorp Variant Classification Summary - May 2015. Collection method: clinical testing. Allele origin: germline.
Comment: Variant summary: TTN c.82730T>C (p.Ile27577Thr) (also known as NM_001267550:c.90434T>C (p.Ile30145Thr)) results in a non-conservative amino acid change located in the A-band region of the encoded protein sequence. Algorithms developed to predict the effect of missense changes on protein structure and function are either unavailable or do not agree on the potential impact of this missense change. The variant allele was found at a frequency of 1.6e-05 in 247738 control chromosomes in the gnomAD database. The available data on variant occurrences in the general population are insufficient to allow any conclusion about variant significance. To our knowledge, no occurrence of c.82730T>C in individuals affected with TTN-related conditions and no experimental evidence demonstrating its impact on protein function have been reported. ClinVar contains an entry for this variant (Variation ID: 289077). Based on the evidence outlined above, the variant was classified as uncertain significance.

Revvity Omics, Revvity
Classification: Uncertain significance. Last evaluated: 2023-12-27. Review status: criteria provided, single submitter. Criteria: ACMG Guidelines, 2015. Collection method: clinical testing. Allele origin: germline.

GeneDx
Classification: Uncertain significance. Last evaluated: 2019-05-31. Review status: criteria provided, single submitter. Criteria: GeneDx Variant Classification Process June 2021. Collection method: clinical testing. Allele origin: germline. Affected: yes.

Eurofins Ntd Llc (ga)
Classification: Uncertain significance. Last evaluated: 2016-07-13. Review status: criteria provided, single submitter. Criteria: EGL Classification Definitions 2015. Collection method: clinical testing. Allele origin: germline. Observed: 3 variant alleles, 3 heterozygotes.

NM_001267550.2(TTN):c.90434T>C (p.Ile30145Thr)

Genes: TTN (titin; minus strand), TTN-AS1 (TTN antisense RNA 1; plus strand). Cytogenetic location: 2q31.2.
Variant type: single nucleotide variant.
Coding change: c.90434T>C on transcript NM_001267550.2 (MANE Select); coding-DNA position 90434, T replaced by C.
Protein change: p.Ile30145Thr; replaces isoleucine 30145 with threonine.
Molecular consequence: missense variant.
Genome position (GRCh38, 1-based): chr2:178,552,466, A>G on the plus strand (T>C on the coding strand, the complement: TTN is on the minus strand). VCF-style: chr2-178552466-A-G. GRCh37 (hg19) VCF-style: chr2-179417193-A-G.
Other names: c.85511T>C, p.Ile28504Thr (NM_001256850.1); c.63239T>C, p.Ile21080Thr (NM_003319.4); c.82730T>C, p.Ile27577Thr (NM_133378.4); c.63614T>C, p.Ile21205Thr (NM_133432.3); c.63815T>C, p.Ile21272Thr (NM_133437.4); short protein forms I27577T, I30145T, I21272T, I21205T, I21080T, I28504T.
Identifiers: ClinVar variation 289077 (VCV000289077.10), dbSNP rs751359750, ClinGen allele CA1987792.